The following is an entry in ClinVar:

ClinVar aggregate classification (germline): Uncertain significance (1 of 4 stars; one submission).

Conditions:
Hereditary cancer-predisposing syndrome. Also called: Hereditary neoplastic syndrome; Neoplastic Syndromes, Hereditary; Tumor predisposition; Hereditary Cancer Syndrome. Identifiers: Orphanet 140162, MedGen C0027672, MeSH D009386, MONDO:0015356.

gnomAD v4.1: 1 of 1,614,158 alleles (0.000062%); highest among the groups gnomAD compares: Non-Finnish European, 0.000085%; no homozygotes.

Submission:

Ambry Genetics
Classification: Uncertain significance for Hereditary cancer-predisposing syndrome. Last evaluated: 2025-09-05. Review status: criteria provided, single submitter. Criteria: Ambry Variant Classification Scheme 2023. Collection method: clinical testing. Allele origin: germline.
Comment: The p.E396Q variant (also known as c.1186G>C), located in coding exon 12 of the POLE gene, results from a G to C substitution at nucleotide position 1186. The glutamic acid at codon 396 is replaced by glutamine, an amino acid with highly similar properties. This amino acid position is highly conserved in available vertebrate species. In addition, the in silico prediction for this alteration is inconclusive. Based on the available evidence, the clinical significance of this variant remains unclear.

NM_006231.4(POLE):c.1186G>C (p.Glu396Gln)

Gene: POLE (DNA polymerase epsilon, catalytic subunit; minus strand). Cytogenetic location: 12q24.33.
Variant type: single nucleotide variant.
Coding change: c.1186G>C on transcript NM_006231.4 (MANE Select); coding-DNA position 1186, G replaced by C.
Protein change: p.Glu396Gln; replaces glutamic acid 396 with glutamine.
Molecular consequence: missense variant.
Genome position (GRCh38, 1-based): chr12:132,675,438, C>G on the plus strand (G>C on the coding strand, the complement: POLE is on the minus strand). VCF-style: chr12-132675438-C-G. GRCh37 (hg19) VCF-style: chr12-133252024-C-G.
Other names: short protein forms E396Q.
Identifiers: ClinVar variation 4141210 (VCV004141210.1).